The following is an entry in ClinVar:

ClinVar aggregate classification (germline): Uncertain significance (1 of 4 stars; one submission).

gnomAD v4.1: 2 of 1,612,580 alleles (0.00012%); highest among the groups gnomAD compares: Middle Eastern, 0.017%; no homozygotes.

Submission:

Ambry Genetics
Classification: Uncertain significance. Last evaluated: 2025-07-09. Review status: criteria provided, single submitter. Criteria: Ambry Variant Classification Scheme 2023. Collection method: clinical testing. Allele origin: germline.
Comment: The p.R229Q variant (also known as c.686G>A), located in coding exon 2 of the WNK2 gene, results from a G to A substitution at nucleotide position 686. The arginine at codon 229 is replaced by glutamine, an amino acid with highly similar properties. This amino acid position is conserved. In addition, the in silico prediction for this alteration is inconclusive. Based on the available evidence, the clinical significance of this variant remains unclear.

NM_006648.4(WNK2):c.686G>A (p.Arg229Gln)

Gene: WNK2 (WNK lysine deficient protein kinase 2; plus strand). Cytogenetic location: 9q22.31.
Variant type: single nucleotide variant.
Coding change: c.686G>A on transcript NM_006648.4 (MANE Select); coding-DNA position 686, G replaced by A.
Protein change: p.Arg229Gln; replaces arginine 229 with glutamine.
Molecular consequence: missense variant.
Genome position (GRCh38, 1-based): chr9:93,229,700, G>A. VCF-style: chr9-93229700-G-A. GRCh37 (hg19) VCF-style: chr9-95991982-G-A.
Other names: c.686G>A, p.Arg229Gln (NM_001282394.3); short protein forms R229Q.
Identifiers: ClinVar variation 4201600 (VCV004201600.1).